The following is an entry in ClinVar:

ClinVar aggregate classification (germline): Uncertain significance (1 of 4 stars; one submission).

Submission:

GeneDx
Classification: Uncertain significance. Last evaluated: 2025-01-17. Review status: criteria provided, single submitter. Criteria: GeneDx Variant Classification Process June 2021. Collection method: clinical testing. Allele origin: germline.
Comment: Not observed at significant frequency in large population cohorts (gnomAD); In silico analysis indicates that this missense variant does not alter protein structure/function; Has not been previously published as pathogenic or benign to our knowledge; This variant is associated with the following publications: (PMID: 25512093, 25609763, 26100331)

NM_001376.5(DYNC1H1):c.12129G>A (p.Met4043Ile)

Gene: DYNC1H1 (dynein cytoplasmic 1 heavy chain 1; plus strand). Cytogenetic location: 14q32.31.
Variant type: single nucleotide variant.
Coding change: c.12129G>A on transcript NM_001376.5 (MANE Select); coding-DNA position 12129, G replaced by A.
Protein change: p.Met4043Ile; replaces methionine 4043 with isoleucine.
Molecular consequence: missense variant.
Genome position (GRCh38, 1-based): chr14:102,042,039, G>A. VCF-style: chr14-102042039-G-A. GRCh37 (hg19) VCF-style: chr14-102508376-G-A.
Other names: short protein forms M4043I.
Identifiers: ClinVar variation 2430933 (VCV002430933.2), dbSNP rs2503857558, ClinGen allele CA391038427.
Genomic context (GRCh38, chr14:102,042,039, plus strand): 5'-GCACTGTAATAACTTCTGCCTTCTTTGTTTGCAGGTGAAGCCCAACACTCCTGTCTTAAT[G>A]TGCTCTGTGCCTGGTTATGATGCCAGTGGACATGTCGAGGACCTTGCAGCCGAGCAGAAC-3'
Protein context (NP_001367.2, residues 4033-4053): TEVKPNTPVL[Met4043Ile]CSVPGYDASG